The following is an entry in ClinVar:

NM_005639.3(SYT1):c.1215G>A (p.Trp405Ter)

Gene: SYT1 (synaptotagmin 1; plus strand). Cytogenetic location: 12q21.2.
Variant type: single nucleotide variant.
Coding change: c.1215G>A on transcript NM_005639.3 (MANE Select); coding-DNA position 1215, G replaced by A.
Protein change: p.Trp405Ter; replaces tryptophan 405 with a stop codon.
Molecular consequence: nonsense.
Genome position (GRCh38, 1-based): chr12:79,449,070, G>A. VCF-style: chr12-79449070-G-A. GRCh37 (hg19) VCF-style: chr12-79842850-G-A.
Other names: c.1215G>A, p.Trp405Ter (NM_001135805.2, NM_001135806.2, NM_001415938.1 and 2 more transcripts); c.1206G>A, p.Trp402Ter (NM_001291901.2, NM_001415941.1, NM_001415942.1 and 1 more transcripts); short protein forms W402*, W405*.
Identifiers: ClinVar variation 5037555 (VCV005037555.1).

ClinVar aggregate classification (germline): Uncertain significance (1 of 4 stars; one submission).

Submission:

GeneDx
Classification: Uncertain significance. Last evaluated: 2026-04-22. Review status: criteria provided, single submitter. Criteria: GeneDx Variant Classification Process June 2021. Collection method: clinical testing. Allele origin: germline.
Comment: Not observed at significant frequency in large population cohorts (gnomAD); Nonsense variant predicted to result in protein truncation as the last 18 amino acid(s) are lost; Has not been previously published as pathogenic or benign to our knowledge